The following is an entry in ClinVar:

ClinVar aggregate classification (germline): Uncertain significance (1 of 4 stars; one submission).

Conditions:
Spongy degeneration of central nervous system. Also called: ACY2 DEFICIENCY; AMINOACYLASE 2 DEFICIENCY; ASP DEFICIENCY; ASPA DEFICIENCY; ASPARTOACYLASE DEFICIENCY; CANAVAN-VAN BOGAERT-BERTRAND DISEASE. Identifiers: Orphanet 141, MedGen C0206307, MONDO:0010079, OMIM 271900.

Submission:

3billion
Classification: Uncertain significance for Spongy degeneration of central nervous system. Last evaluated: 2025-11-27. Review status: criteria provided, single submitter. Criteria: ACMG Guidelines, 2015. Collection method: clinical testing. Allele origin: germline. Affected: yes.
Comment: The variant is not observed in the gnomAD v4.1.0 dataset. Predicted Consequence/Location: Missense variant In silico tool predictions suggest damaging effect of the variant on gene or gene product [REVEL: 0.89 (>=0.6, sensitivity 0.68 and specificity 0.92); 3Cnet: 0.87 (> 0.75, sensitivity 0.96 and precision 0.92)]. Different missense changes at the same codon (p.Pro181Leu, p.Pro181Thr) have been reported as pathogenic/likely pathogenic with strong evidence (ClinVar ID: VCV000188940, VCV000554478 /PMID: 10909858, 16854607). Therefore, this variant is classified as VUS according to the recommendation of ACMG/AMP guideline.

Literature cited by the submitters: PubMed 10909858.

NM_000049.4(ASPA):c.542C>A (p.Pro181His)

Genes: ASPA (aspartoacylase; plus strand), SPATA22 (spermatogenesis associated 22; minus strand). Cytogenetic location: 17p13.2.
Variant type: single nucleotide variant.
Coding change: c.542C>A on transcript NM_000049.4 (MANE Select); coding-DNA position 542, C replaced by A.
Protein change: p.Pro181His; replaces proline 181 with histidine.
Molecular consequence: missense variant. On other transcripts: intron variant (2).
Genome position (GRCh38, 1-based): chr17:3,489,250, C>A. VCF-style: chr17-3489250-C-A. GRCh37 (hg19) VCF-style: chr17-3392544-C-A.
Other names: c.542C>A, p.Pro181His (NM_001128085.1); c.-73-19852G>T (NM_001321336.2, NM_001321337.2); short protein forms P181H.
Identifiers: ClinVar variation 4856145 (VCV004856145.1).
Genomic context (GRCh38, chr17:3,489,250, plus strand): 5'-TTTTCATACTTATATAAATGTGACTATCTCTCCTTCTGTACCTAGGTATAGAAGTTGGTC[C>A]TCAGCCTCAAGGGGTTCTGAGAGCTGATATCTTGGATCAAATGAGAAAAATGATTAAACA-3'
Protein context (NP_000040.1, residues 171-191): AKYPVGIEVG[Pro181His]QPQGVLRADI